The following is an entry in ClinVar:

NM_000038.6(APC):c.423-3958C>T

Gene: APC (APC regulator of Wnt signaling pathway; plus strand). Cytogenetic location: 5q22.2.
Variant type: single nucleotide variant.
Coding change: c.423-3958C>T on transcript NM_000038.6 (MANE Select); 3958 bases into the intron before coding-DNA position 423, C replaced by T.
Molecular consequence: intron variant.
Genome position (GRCh38, 1-based): chr5:112,771,671, C>T. VCF-style: chr5-112771671-C-T. GRCh37 (hg19) VCF-style: chr5-112107368-C-T.
Other names: c.423-3958C>T (NM_001354895.2, NM_001127510.3, NM_001354896.2 and 2 more transcripts); c.453-3958C>T (NM_001354897.2, NM_001354902.2, NM_001127511.3); c.348-3958C>T (NM_001354898.2, NM_001354904.2); c.-613-3958C>T (NM_001354906.2); c.246-3958C>T (NM_001354900.2, NM_001354901.2, NM_001354905.2).
Identifiers: ClinVar variation 1738927 (VCV001738927.5), dbSNP rs2532360512, ClinGen allele CA2580072424.

ClinVar aggregate classification (germline): Pathogenic/Likely pathogenic. Review status: criteria provided, multiple submitters, no conflicts (2 of 4 stars). 2 submissions from 2 submitters: Pathogenic (1); Likely pathogenic (1). Last evaluated 2025-11-05.

Conditions:
Hereditary cancer-predisposing syndrome. Also called: Hereditary Cancer Syndrome; Hereditary neoplastic syndrome; Neoplastic Syndromes, Hereditary; Tumor predisposition. Identifiers: Orphanet 140162, MedGen C0027672, MeSH D009386, MONDO:0015356.
Familial adenomatous polyposis 1 (FAP1). Also called: FAMILIAL ADENOMATOUS POLYPOSIS 1, ATTENUATED; POLYPOSIS, ADENOMATOUS INTESTINAL. Identifiers: MedGen C2713442, MONDO:0021056, OMIM 175100. Disease mechanism: loss of function.

Submissions (2):

Labcorp Genetics (formerly Invitae), Labcorp
Classification: Pathogenic for Familial adenomatous polyposis 1. Last evaluated: 2025-11-05. Review status: criteria provided, single submitter. Criteria: Invitae Variant Classification Sherloc (09022015). Collection method: clinical testing. Allele origin: germline.
Comment: This sequence change falls in intron 4 of the APC gene. It does not directly change the encoded amino acid sequence of the APC protein. RNA analysis indicates that this variant induces altered splicing and may result in an absent or altered protein product. This variant is not present in population databases (gnomAD no frequency). This variant has been observed in individual(s) with APC-related conditions (PMID: 36008414). It has also been observed to segregate with disease in related individuals. ClinVar contains an entry for this variant (Variation ID: 1738927). Studies have shown that this variant results in inclusion of a cryptic exon, and produces a non-functional protein and/or introduces a premature termination codon (PMID: 36008414; internal data). For these reasons, this variant has been classified as Pathogenic.

Ambry Genetics
Classification: Likely pathogenic for Hereditary cancer-predisposing syndrome. Last evaluated: 2025-01-02. Review status: criteria provided, single submitter. Criteria: Ambry Variant Classification Scheme 2023. Collection method: clinical testing. Allele origin: germline.
Comment: The c.423-3958C>T intronic variant results from a C to T substitution 3958 nucleotides upstream from coding exon 4 in the APC gene. This variant was reported in individuals with features consistent with familial adenomatous polyposis (Ambry internal data; Horton, C. et al. NPJ Genom Med 2022 Aug;7(1):49). This nucleotide position is highly conserved in available vertebrate species on limited sequence alignment. In silico splice site analysis for this alteration is inconclusive. RNA studies have demonstrated that this alteration results in abnormal splicing in the set of samples tested (Ambry internal data). Based on the majority of available evidence to date, this variant is likely to be pathogenic.

Literature cited by the submitters: PubMed 36008414 (cited by Labcorp Genetics (formerly Invitae), Labcorp and Ambry Genetics).